The following is an entry in ClinVar:

ClinVar aggregate classification (germline): Uncertain significance. Review status: criteria provided, multiple submitters, no conflicts (2 of 4 stars). 2 submissions from 2 submitters: Uncertain significance (2). Last evaluated 2023-06-05.

Conditions:
CDON-related disorder. Also called: CDON-related condition.
Holoprosencephaly 11 (HPE11). Identifiers: Orphanet 2162, MedGen C3280215, MONDO:0013642, OMIM 614226.

Allele frequency attached by ClinVar (database versions not stated): ExAC 0.00001; gnomAD 0.00001; TOPMed 0.00002.
gnomAD v4.1: 6 of 1,612,686 alleles (0.00037%); highest among the groups gnomAD compares: Middle Eastern, 0.016%; no homozygotes.

Submissions (2):

PreventionGenetics, part of Exact Sciences
Classification: Uncertain significance for CDON-related condition. Last evaluated: 2023-06-05. Review status: criteria provided, single submitter. Criteria: ACMG Guidelines, 2015. Collection method: clinical testing. Allele origin: germline.
Comment: The CDON c.2348G>A variant is predicted to result in the amino acid substitution p.Arg783His. To our knowledge, this variant has not been reported in the literature. This variant is reported in 0.0033% of alleles in individuals of South Asian descent in gnomAD. At this time, the clinical significance of this variant is uncertain due to the absence of conclusive functional and genetic evidence.

Labcorp Genetics (formerly Invitae), Labcorp
Classification: Uncertain significance for Holoprosencephaly 11. Last evaluated: 2022-07-23. Review status: criteria provided, single submitter. Criteria: Invitae Variant Classification Sherloc (09022015). Collection method: clinical testing. Allele origin: germline.
Comment: This variant is present in population databases (rs748459324, gnomAD 0.003%). In summary, the available evidence is currently insufficient to determine the role of this variant in disease. Therefore, it has been classified as a Variant of Uncertain Significance. Algorithms developed to predict the effect of missense changes on protein structure and function (SIFT, PolyPhen-2, Align-GVGD) all suggest that this variant is likely to be disruptive. This variant has not been reported in the literature in individuals affected with CDON-related conditions. This sequence change replaces arginine, which is basic and polar, with histidine, which is basic and polar, at codon 783 of the CDON protein (p.Arg783His).

NM_001378964.1(CDON):c.2348G>A (p.Arg783His)

Gene: CDON (cell adhesion associated, oncogene regulated; minus strand). Cytogenetic location: 11q24.2.
Variant type: single nucleotide variant.
Coding change: c.2348G>A on transcript NM_001378964.1 (MANE Select); coding-DNA position 2348, G replaced by A.
Protein change: p.Arg783His; replaces arginine 783 with histidine.
Molecular consequence: missense variant.
Genome position (GRCh38, 1-based): chr11:125,997,221, C>T on the plus strand (G>A on the coding strand, the complement: CDON is on the minus strand). VCF-style: chr11-125997221-C-T. GRCh37 (hg19) VCF-style: chr11-125867116-C-T.
Other names: c.2348G>A, p.Arg783His (NM_001243597.3, NM_016952.6); short protein forms R783H.
Identifiers: ClinVar variation 1975195 (VCV001975195.6), dbSNP rs748459324, ClinGen allele CA6351775.